The following is an entry in ClinVar:

NM_001378609.3(OTOGL):c.782A>G (p.Asn261Ser)

Gene: OTOGL (otogelin like; plus strand). Cytogenetic location: 12q21.31.
Variant type: single nucleotide variant.
Coding change: c.782A>G on transcript NM_001378609.3 (MANE Select); coding-DNA position 782, A replaced by G.
Protein change: p.Asn261Ser; replaces asparagine 261 with serine.
Molecular consequence: missense variant.
Genome position (GRCh38, 1-based): chr12:80,233,062, A>G. VCF-style: chr12-80233062-A-G. GRCh37 (hg19) VCF-style: chr12-80626842-A-G.
Other names: p.Asn252Ser; c.782A>G, p.Asn261Ser (NM_001368062.3, NM_001378610.3, NM_173591.7); short protein forms N261S.
Identifiers: ClinVar variation 2683209 (VCV002683209.2), dbSNP rs760193332, ClinGen allele CA6700257.

ClinVar aggregate classification (germline): Uncertain significance. Review status: criteria provided, multiple submitters, no conflicts (2 of 4 stars). 2 submissions from 2 submitters: Uncertain significance (2). Last evaluated 2025-09-21.

Conditions:
Inborn genetic diseases. Identifiers: MedGen C0950123, MeSH D030342.

Allele frequency attached by ClinVar (database versions not stated): gnomAD exomes 0.00003; TOPMed below 0.00001; ExAC 0.00004.
gnomAD v4.1: 40 of 1,597,276 alleles (0.0025%); highest among the groups gnomAD compares: Admixed American, 0.012%; no homozygotes.

Submissions (2):

Ambry Genetics
Classification: Uncertain significance for Inborn genetic diseases. Last evaluated: 2025-09-21. Review status: criteria provided, single submitter. Criteria: Ambry Variant Classification Scheme 2023. Collection method: clinical testing. Allele origin: germline.

Mayo Clinic Laboratories, Mayo Clinic
Classification: Uncertain significance. Last evaluated: 2022-09-15. Review status: criteria provided, single submitter. Criteria: ACMG Guidelines, 2015. Collection method: clinical testing. Allele origin: germline. Observed: 1 variant allele.
Comment: PP3, PM2